The following is an entry in ClinVar:

NM_020433.5(JPH2):c.1722G>A (p.Thr574=)

Gene: JPH2 (junctophilin 2; minus strand). Cytogenetic location: 20q13.12.
Variant type: single nucleotide variant.
Coding change: c.1722G>A on transcript NM_020433.5 (MANE Select); coding-DNA position 1722, G replaced by A.
Protein change: p.Thr574=; no amino-acid change (threonine 574 retained).
Molecular consequence: synonymous variant.
Genome position (GRCh38, 1-based): chr20:44,115,953, C>T on the plus strand (G>A on the coding strand, the complement: JPH2 is on the minus strand). VCF-style: chr20-44115953-C-T. GRCh37 (hg19) VCF-style: chr20-42744593-C-T.
Identifiers: ClinVar variation 389143 (VCV000389143.14), dbSNP rs769828263, ClinGen allele CA9868627.

ClinVar aggregate classification (germline): Likely benign. Review status: criteria provided, multiple submitters, no conflicts (2 of 4 stars). 4 submissions from 4 submitters: Likely benign (4). Last evaluated 2025-08-09.

Conditions:
JPH2-related disorder. Also called: JPH2-related condition.
Cardiovascular phenotype. Identifiers: MedGen CN230736.
Hypertrophic cardiomyopathy. Also called: HYPERTROPHIC MYOCARDIOPATHY. Identifiers: Orphanet 217569, MedGen C0007194, MeSH D002312, MONDO:0005045, HP:0001639.

Allele frequency attached by ClinVar (database versions not stated): ExAC below 0.00001; TOPMed below 0.00001; gnomAD exomes 0.00001 and 0.00002.
gnomAD v4.1: 26 of 1,570,112 alleles (0.0017%); highest among the groups gnomAD compares: Non-Finnish European, 0.0021%; no homozygotes.

Submissions (4):

Labcorp Genetics (formerly Invitae), Labcorp
Classification: Likely benign for Hypertrophic cardiomyopathy. Last evaluated: 2025-08-09. Review status: criteria provided, single submitter. Criteria: Invitae Variant Classification Sherloc (09022015). Collection method: clinical testing. Allele origin: germline.

PreventionGenetics, part of Exact Sciences
Classification: Likely benign for JPH2-related condition. Last evaluated: 2025-08-06. Review status: criteria provided, single submitter. Criteria: ACMG Guidelines, 2015. Collection method: clinical testing. Allele origin: germline.
Comment: This variant is classified as likely benign based on ACMG/AMP sequence variant interpretation guidelines (Richards et al. 2015 PMID: 25741868, with internal and published modifications).

Ambry Genetics
Classification: Likely benign for Cardiovascular phenotype. Last evaluated: 2020-07-28. Review status: criteria provided, single submitter. Criteria: Ambry Variant Classification Scheme 2023. Collection method: clinical testing. Allele origin: germline.

GeneDx
Classification: Likely benign. Last evaluated: 2017-10-04. Review status: criteria provided, single submitter. Criteria: GeneDx Variant Classification (06012015). Collection method: clinical testing. Allele origin: germline. Affected: yes.
Comment: This variant is considered likely benign or benign based on one or more of the following criteria: it is a conservative change, it occurs at a poorly conserved position in the protein, it is predicted to be benign by multiple in silico algorithms, and/or has population frequency not consistent with disease.